The following is an entry in ClinVar:

ClinVar aggregate classification (germline): Likely pathogenic (1 of 4 stars; one submission).

Conditions:
Hereditary cancer-predisposing syndrome. Also called: Tumor predisposition; Hereditary neoplastic syndrome; Hereditary Cancer Syndrome; Neoplastic Syndromes, Hereditary. Identifiers: Orphanet 140162, MedGen C0027672, MeSH D009386, MONDO:0015356.

Submission:

Color Diagnostics, LLC DBA Color Health
Classification: Likely pathogenic for Hereditary cancer-predisposing syndrome. Last evaluated: 2020-07-14. Review status: criteria provided, single submitter. Criteria: ACMG Guidelines, 2015. Collection method: clinical testing. Allele origin: germline.
Comment: This variant deletes 1 nucleotide in exon 2 of the BRCA1 gene, creating a frameshift and premature translation stop signal. This variant is expected to result in an absent or non-functional protein product. To our knowledge, this variant has been reported in a family affected with ovarian cancer (Color internal data). This variant has not been identified in the general population by the Genome Aggregation Database (gnomAD). Loss of BRCA1 function is a known mechanism of disease. Based on the available evidence, this variant is classified as Likely Pathogenic.

NM_007294.4(BRCA1):c.25del (p.Glu9fs)

Gene: BRCA1 (BRCA1 DNA repair associated; minus strand). Cytogenetic location: 17q21.31.
Variant type: Deletion.
Coding change: c.25del on transcript NM_007294.4 (MANE Select); coding-DNA position 25, one base deleted (G; older notation c.25delG).
Protein change: p.Glu9fs; shifts the reading frame from glutamic acid 9.
Molecular consequence: frameshift variant. On other transcripts: 5 prime UTR variant (1), non-coding transcript variant (1).
Genome position (GRCh38, 1-based): chr17:43,124,072, C deleted on the plus strand (G on the coding strand, the reverse complement: BRCA1 is on the minus strand). VCF-style (leftmost placement, unchanged base first): chr17-43124071-TC-T. GRCh37 (hg19) VCF-style: chr17-41276088-TC-T.
Other names: c.25delG, p.Glu9Lysfs (NM_001408428.1, NM_001408429.1, NM_001408430.1 and 192 more transcripts); c.-164delG (NM_001407571.1, NM_001407853.1, NM_001407879.1 and 46 more transcripts); c.-233delG (NM_001407694.1, NM_001407724.1, NM_001407727.1 and 11 more transcripts); c.-237delG (NM_001407695.1, NM_001408465.1); c.-378delG (NM_001407696.1); c.-262delG (NM_001407697.1, NM_001407846.1, NM_001407920.1); c.-63delG (NM_001407698.1, NM_001407732.1, NM_001407736.1 and 22 more transcripts); c.-236delG (NM_001407725.1, NM_001407730.1, NM_001407734.1 and 22 more transcripts); and 10 more; short protein forms E9fs.
Identifiers: ClinVar variation 1172317 (VCV001172317.3), dbSNP rs2154578048, ClinGen allele CA2499224637.